The following is an entry in ClinVar:

NM_001278116.2(L1CAM):c.1704-5C>T

Gene: L1CAM (L1 cell adhesion molecule; minus strand). Cytogenetic location: Xq28.
Variant type: single nucleotide variant.
Coding change: c.1704-5C>T on transcript NM_001278116.2 (MANE Select); 5 bases into the intron before coding-DNA position 1704, C replaced by T.
Molecular consequence: intron variant.
Genome position (GRCh38, 1-based): chrX:153,868,127, G>A on the plus strand (C>T on the coding strand, the complement: L1CAM is on the minus strand). VCF-style: chrX-153868127-G-A. GRCh37 (hg19) VCF-style: chrX-153133582-G-A.
Other names: c.1689-5C>T (NM_001143963.2); c.1704-5C>T (NM_024003.3, NM_000425.5, NM_000425.4).
Identifiers: ClinVar variation 1121628 (VCV001121628.13), dbSNP rs200415748, ClinGen allele CA10554312.

ClinVar aggregate classification (germline): Likely benign. Review status: criteria provided, multiple submitters, no conflicts (2 of 4 stars). 3 submissions from 3 submitters: Likely benign (2). 1 of the submissions does not count toward it. Last evaluated 2026-06-01.

Conditions:
L1CAM-related disorder. Also called: L1CAM-related condition.
Spastic paraplegia. Identifiers: MedGen C0037772, HP:0001258.

Allele frequency attached by ClinVar (database versions not stated): gnomAD exomes 0.00001 and 0.00004; ExAC 0.00003; TOPMed 0.00003.
gnomAD v4.1: 10 of 1,210,373 alleles (0.00083%); highest among the groups gnomAD compares: Admixed American, 0.013%; no homozygotes.

Submissions (3):

CeGaT Center for Human Genetics Tuebingen
Classification: Likely benign. Last evaluated: 2026-06-01. Review status: criteria provided, single submitter. Criteria: CeGaT Center For Human Genetics Tuebingen Variant Classification Criteria Version 2. Collection method: clinical testing. Allele origin: germline. Affected: yes. Observed: 1 variant allele.
Comment: L1CAM: BP4, BS2

Labcorp Genetics (formerly Invitae), Labcorp
Classification: Likely benign for Spastic paraplegia. Last evaluated: 2025-12-03. Review status: criteria provided, single submitter. Criteria: Invitae Variant Classification Sherloc (09022015). Collection method: clinical testing. Allele origin: germline.

PreventionGenetics, part of Exact Sciences
Classification: Likely benign for L1CAM-related condition. Last evaluated: 2019-06-13. Review status: no assertion criteria provided. Collection method: clinical testing. Allele origin: germline. Not counted in ClinVar's aggregate classification.
Comment: This variant is classified as likely benign based on ACMG/AMP sequence variant interpretation guidelines (Richards et al. 2015 PMID: 25741868, with internal and published modifications).